The following is an entry in ClinVar:

ClinVar aggregate classification (germline): Uncertain significance (1 of 4 stars; one submission).

Conditions:
EP300-related disorder. Also called: EP300-related condition; EP300-related disorders.

Allele frequency attached by ClinVar (database versions not stated): gnomAD exomes below 0.00001.
gnomAD v4.1: 2 of 1,614,220 alleles (0.00012%); highest among the groups gnomAD compares: Non-Finnish European, 0.00017%; no homozygotes.

Submission:

PreventionGenetics, part of Exact Sciences
Classification: Uncertain significance for EP300-related condition. Last evaluated: 2023-06-06. Review status: criteria provided, single submitter. Criteria: ACMG Guidelines, 2015. Collection method: clinical testing. Allele origin: germline.
Comment: The EP300 c.238C>G variant is predicted to result in the amino acid substitution p.Gln80Glu. To our knowledge, this variant has not been reported in the literature or in a large population database, indicating this variant is rare. At this time, the clinical significance of this variant is uncertain due to the absence of conclusive functional and genetic evidence.

NM_001429.4(EP300):c.238C>G (p.Gln80Glu)

Gene: EP300 (E1A binding protein p300; plus strand). Cytogenetic location: 22q13.2.
Variant type: single nucleotide variant.
Coding change: c.238C>G on transcript NM_001429.4 (MANE Select); coding-DNA position 238, C replaced by G.
Protein change: p.Gln80Glu; replaces glutamine 80 with glutamic acid.
Molecular consequence: missense variant.
Genome position (GRCh38, 1-based): chr22:41,117,330, C>G. VCF-style: chr22-41117330-C-G. GRCh37 (hg19) VCF-style: chr22-41513334-C-G.
Other names: c.238C>G, p.Gln80Glu (NM_001362843.2); short protein forms Q80E.
Identifiers: ClinVar variation 2632647 (VCV002632647.1), dbSNP rs2518115650, ClinGen allele CA411680013.
Genomic context (GRCh38, chr22:41,117,330, plus strand): 5'-GATATTAATCAGCTTCAGACAAGTCTTGGCATGGTACAAGATGCAGCTTCTAAACATAAA[C>G]AGCTGTCAGAATTGCTGCGATCTGGTAGTTCCCCTAACCTCAATATGGGAGTTGGTGGCC-3'
Protein context (NP_001420.2, residues 70-90): MVQDAASKHK[Gln80Glu]LSELLRSGSS